The following is an entry in ClinVar:

NM_000016.6(ACADM):c.778_782del (p.Glu260fs)

Gene: ACADM (acyl-CoA dehydrogenase medium chain; plus strand). Cytogenetic location: 1p31.1.
Variant type: Deletion.
Coding change: c.778_782del on transcript NM_000016.6 (MANE Select); coding-DNA positions 778 to 782, 5 bases deleted (GAAAA; older notation c.778_782delGAAAA).
Protein change: p.Glu260fs; shifts the reading frame from glutamic acid 260.
Molecular consequence: frameshift variant.
Genome position (GRCh38, 1-based): chr1:75,749,488-75,749,492, GAAAA deleted; deleting any 5 consecutive bases within chr1:75,749,485-75,749,492 gives the same sequence; the c. name uses the placement nearest the transcript's 3' end. VCF-style (leftmost placement, unchanged base first): chr1-75749484-TAAAGA-T. GRCh37 (hg19) VCF-style: chr1-76215169-TAAAGA-T.
Other names: c.877_881del, p.Glu293fs (NM_001286043.2); c.211_215del, p.Glu71fs (NM_001286044.2); c.790_794del, p.Glu264fs (NM_001127328.3); c.670_674del, p.Glu224fs (NM_001286042.2); c.778_782delGAAAA (NM_000016.5); short protein forms E224fs, E293fs, E260fs, E264fs, E71fs.
Identifiers: ClinVar variation 1457250 (VCV001457250.8), dbSNP rs2100417619, ClinGen allele CA2573132608.

ClinVar aggregate classification (germline): Pathogenic/Likely pathogenic. Review status: criteria provided, multiple submitters, no conflicts (2 of 4 stars). 3 submissions from 3 submitters: Pathogenic (1); Likely pathogenic (2). Last evaluated 2025-11-25.

Conditions:
Medium-chain acyl-coenzyme A dehydrogenase deficiency (ACADMD). Also called: MCAD Deficiency; MCADH DEFICIENCY; CARNITINE DEFICIENCY SECONDARY TO MEDIUM-CHAIN ACYL-CoA DEHYDROGENASE DEFICIENCY; ACADM DEFICIENCY; Medium chain acyl-CoA dehydrogenase deficiency; MCADD. Identifiers: Orphanet 42, MedGen C0220710, MONDO:0008721, OMIM 201450.

Submissions (3):

Natera, Inc.
Classification: Likely pathogenic for Medium Chain Acyl-CoA Dehydrogenase Deficiency. Last evaluated: 2025-11-25. Review status: criteria provided, single submitter. Criteria: Natera Variant Classification Schema (03/2026). Collection method: clinical testing. Allele origin: germline.
Comment: The c.778_782delGAAAA variant in ACADM is a frameshift variant predicted to shift the reading frame beginning at codon 260 and leads to a stop codon 5 codons downstream. This variant is expected to result in nonsense mediated decay, truncation, or a dysfunctional protein product. This variant is rare in the general population with a frequency below the threshold expected for the associated phenotype(s). Given the available evidence, this variant is classified as Likely Pathogenic.

Labcorp Genetics (formerly Invitae), Labcorp
Classification: Pathogenic for Medium-chain acyl-coenzyme A dehydrogenase deficiency. Last evaluated: 2024-12-09. Review status: criteria provided, single submitter. Criteria: Invitae Variant Classification Sherloc (09022015). Collection method: clinical testing. Allele origin: germline.
Comment: This sequence change creates a premature translational stop signal (p.Glu260Cysfs*5) in the ACADM gene. It is expected to result in an absent or disrupted protein product. Loss-of-function variants in ACADM are known to be pathogenic (PMID: 16121256, 20434380). This variant is not present in population databases (gnomAD no frequency). This premature translational stop signal has been observed in individual(s) with medium chain acyl-CoA dehydrogenase deficiency (PMID: 32778825). ClinVar contains an entry for this variant (Variation ID: 1457250). For these reasons, this variant has been classified as Pathogenic.

Baylor Genetics
Classification: Likely pathogenic for Medium-chain acyl-coenzyme A dehydrogenase deficiency. Last evaluated: 2023-05-03. Review status: criteria provided, single submitter. Criteria: ACMG Guidelines, 2015. Collection method: clinical testing. Allele origin: unknown.

Literature cited by the submitters: PubMed 16121256 (cited by Labcorp Genetics (formerly Invitae), Labcorp); PubMed 20434380 (cited by Labcorp Genetics (formerly Invitae), Labcorp); PubMed 32778825 (cited by Labcorp Genetics (formerly Invitae), Labcorp).